The following is an entry in ClinVar:

NM_001009944.3(PKD1):c.9760C>T (p.Gln3254Ter)

Gene: PKD1 (polycystin 1, transient receptor potential channel interacting; minus strand). Cytogenetic location: 16p13.3.
Variant type: single nucleotide variant.
Coding change: c.9760C>T on transcript NM_001009944.3 (MANE Select); coding-DNA position 9760, C replaced by T.
Protein change: p.Gln3254Ter; replaces glutamine 3254 with a stop codon.
Molecular consequence: nonsense.
Genome position (GRCh38, 1-based): chr16:2,100,024, G>A on the plus strand (C>T on the coding strand, the complement: PKD1 is on the minus strand). VCF-style: chr16-2100024-G-A. GRCh37 (hg19) VCF-style: chr16-2150025-G-A.
Other names: c.9760C>T, p.Gln3254Ter (NM_000296.4); short protein forms Q3254*.
Identifiers: ClinVar variation 2505026 (VCV002505026.3), dbSNP rs2544713742, ClinGen allele CA394354220.

ClinVar aggregate classification (germline): Pathogenic. Review status: criteria provided, multiple submitters, no conflicts (2 of 4 stars). 3 submissions from 3 submitters: Pathogenic (3). Last evaluated 2024-04-09.

Conditions:
Polycystic kidney disease, adult type (PKD1). Also called: Polycystic Kidney, Autosomal Dominant; Polycystic Kidney Disease 1, Autosomal Dominant; Polycystic kidney disease 1; Polycystic kidney disease 1, severe; POLYCYSTIC KIDNEY DISEASE, ADULT, TYPE I; POLYCYSTIC KIDNEY DISEASE 1 WITH OR WITHOUT POLYCYSTIC LIVER DISEASE. Identifiers: MedGen C3149841, MONDO:0008263, OMIM 173900.
PKD1-related disorder. Also called: PKD1-related condition.

Submissions (3):

Fulgent Genetics
Classification: Pathogenic for Polycystic kidney disease, adult type. Last evaluated: 2024-04-09. Review status: criteria provided, single submitter. Criteria: ACMG Guidelines, 2015. Collection method: clinical testing. Allele origin: germline.

GeneDx
Classification: Pathogenic. Last evaluated: 2022-12-07. Review status: criteria provided, single submitter. Criteria: GeneDx Variant Classification Process June 2021. Collection method: clinical testing. Allele origin: germline. Affected: yes.
Comment: Identified in two families with a known or suspected diagnosis of autosomal dominant PKD, but segregation and detailed clinical information was not provided (PMID: 32457805); Nonsense variant predicted to result in protein truncation or nonsense mediated decay in a gene for which loss of function is a known mechanism of disease; Not observed at significant frequency in large population cohorts (gnomAD); This variant is associated with the following publications: (PMID: 32457805)

Blueprint Genetics
Classification: Pathogenic for PKD1-related disorders. Last evaluated: 2022-05-10. Review status: criteria provided, single submitter. Criteria: ACMG Guidelines, 2015. Collection method: clinical testing. Allele origin: germline. Affected: yes. Observed: 3 variant alleles.